The following is an entry in ClinVar:

NM_014270.5(SLC7A9):c.419T>C (p.Phe140Ser)

Gene: SLC7A9 (solute carrier family 7 member 9; minus strand). Cytogenetic location: 19q13.11.
Variant type: single nucleotide variant.
Coding change: c.419T>C on transcript NM_014270.5 (MANE Select); coding-DNA position 419, T replaced by C.
Protein change: p.Phe140Ser; replaces phenylalanine 140 with serine.
Molecular consequence: missense variant.
Genome position (GRCh38, 1-based): chr19:32,864,155, A>G on the plus strand (T>C on the coding strand, the complement: SLC7A9 is on the minus strand). VCF-style: chr19-32864155-A-G. GRCh37 (hg19) VCF-style: chr19-33355061-A-G.
Other names: c.419T>C, p.Phe140Ser (NM_001126335.2, NM_001243036.2); short protein forms F140S.
Identifiers: ClinVar variation 889752 (VCV000889752.19), dbSNP rs752881588, ClinGen allele CA9358845.
Genomic context (GRCh38, chr19:32,864,155, plus strand): 5'-CAGATGGCGGCGGCGGCCAGGCATTTCACAACGATTTGAGGAGGCTTGCAGCCCACATAG[A>G]AGGGCGCACACACATACTCGGAGAAGCTGAGGCAGATGATGGCGAAGGACGTGGGCTTAA-3'
Protein context (NP_055085.1, residues 130-150): LSFSEYVCAP[Phe140Ser]YVGCKPPQIV

ClinVar aggregate classification (germline): Conflicting classifications of pathogenicity. Review status: criteria provided, conflicting classifications (1 of 4 stars). 7 submissions from 7 submitters: Pathogenic (4); Likely pathogenic (1); Uncertain significance (2). Last evaluated 2026-04-07.

Conditions:
Cystinuria (CSNU). Also called: Cystinuria, non-type I; CYSTINURIA, TYPE I; CYSTINURIA, TYPE II; CYSTINURIA, TYPE III. Identifiers: Orphanet 214, MedGen C0010691, MONDO:0009067, OMIM 220100, HP:0003131.
SLC7A9-related disorder. Also called: SLC7A9-related condition.

Allele frequency attached by ClinVar (database versions not stated): TOPMed 0.00001; ExAC 0.00004; gnomAD exomes 0.00005 and 0.00006; gnomAD 0.00009 and 0.00010.
gnomAD v4.1: 90 of 1,614,052 alleles (0.0056%); highest among the groups gnomAD compares: South Asian, 0.0055%; no homozygotes.

Submissions (7):

Victorian Clinical Genetics Services, Murdoch Childrens Research Institute
Classification: Pathogenic for Cystinuria. Last evaluated: 2026-04-07. Review status: criteria provided, single submitter. Criteria: ACMG Guidelines, 2015. Collection method: clinical testing. Allele origin: germline. Affected: yes.
Comment: This variant is classified as Pathogenic. Evidence in support of pathogenic classification: Variant is present in gnomAD <0.01 (v4: 90 heterozygote(s), 0 homozygote(s)); This variant has strong previous evidence of pathogenicity in unrelated individuals. This variant has been classified as pathogenic/likely pathogenic by clinical laboratories in ClinVar. This variant has also been reported in the literature in multiple individuals with cystinuria, in a homozygous, compound heterozygous and heterozygous state (Babu et al. 2023, PMIDs: 33349102, 18947684, 35368817, 12036192, 36457163); Missense variant predicted to be damaging by in silico tool(s) or highly conserved with a major amino acid change; Heterozygous variant detected in trans with a second PATHOGENIC heterozygous variant (NM_014270.5(SLC7A9):c.459C>A; p.(Cys153*)) in a recessive disease. Additional information: Variant is predicted to result in a missense amino acid change from Phe to Ser; This variant is heterozygous; This gene is associated with both recessive and dominant disease. Some heterozygous variants have been reported to present with a milder phenotype (OMIM, PMID: 11157794); No published evidence of segregation with disease has been identified for this variant; No published functional evidence has been identified for this variant; No comparable missense variants have previous evidence for pathogenicity; Variant is located in the annotated amino acid permease 2 domain (DECIPHER). - Loss of function is a known mechanism of disease in this gene and is associated with cystinuria (MIM#220100); The condition associated with this gene has incomplete penetrance. Autosomal dominant cystinuria has been reported to have incomplete penetrance (PMID: 25964309); Inheritance information for this variant is not currently available in this individual.

Laboratory of Genetics, Children's Clinical University Hospital Latvia
Classification: Pathogenic. Last evaluated: 2025-02-16. Review status: criteria provided, single submitter. Criteria: ACMG Guidelines, 2015. Collection method: clinical testing. Allele origin: germline. Affected: yes.

Labcorp Genetics (formerly Invitae), Labcorp
Classification: Pathogenic. Last evaluated: 2024-06-05. Review status: criteria provided, single submitter. Criteria: Invitae Variant Classification Sherloc (09022015). Collection method: clinical testing. Allele origin: germline.
Comment: This sequence change replaces phenylalanine, which is neutral and non-polar, with serine, which is neutral and polar, at codon 140 of the SLC7A9 protein (p.Phe140Ser). This variant is present in population databases (rs752881588, gnomAD 0.03%). This missense change has been observed in individual(s) with clinical features of cystinuria (PMID: 18947684, 33349102; Invitae). It has also been observed to segregate with disease in related individuals. ClinVar contains an entry for this variant (Variation ID: 889752). Advanced modeling of protein sequence and biophysical properties (such as structural, functional, and spatial information, amino acid conservation, physicochemical variation, residue mobility, and thermodynamic stability) has been performed at Invitae for this missense variant, however the output from this modeling did not meet the statistical confidence thresholds required to predict the impact of this variant on SLC7A9 protein function. For these reasons, this variant has been classified as Pathogenic.

Fulgent Genetics
Classification: Likely pathogenic for Cystinuria. Last evaluated: 2024-05-08. Review status: criteria provided, single submitter. Criteria: ACMG Guidelines, 2015. Collection method: clinical testing. Allele origin: germline.

Blueprint Genetics
Classification: Pathogenic for SLC7A9-related disorders. Last evaluated: 2023-07-28. Review status: criteria provided, single submitter. Criteria: ACMG Guidelines, 2015. Collection method: clinical testing. Allele origin: germline. Affected: yes. Observed: 5 variant alleles.

Department of Pathology and Laboratory Medicine, Sinai Health System
Classification: Uncertain significance for Cystinuria. Last evaluated: 2023-04-24. Review status: criteria provided, single submitter. Criteria: ACMG Guidelines, 2015. Collection method: research. Allele origin: germline.

Illumina Laboratory Services, Illumina
Classification: Uncertain significance for Cystinuria. Last evaluated: 2017-04-27. Review status: criteria provided, single submitter. Criteria: ICSL Variant Classification Criteria 13 December 2019. Collection method: clinical testing. Allele origin: germline.
Comment: This variant was observed as part of a predisposition screen in an ostensibly healthy population. A literature search was performed for the gene, cDNA change, and amino acid change (where applicable). Publications were found based on this search. However, the evidence from the literature, in combination with allele frequency data from public databases where available, was not sufficient to rule this variant in or out of causing disease. Therefore, this variant is classified as a variant of unknown significance.

Literature cited by the submitters: PubMed 25964309 (cited by Victorian Clinical Genetics Services, Murdoch Childrens Research Institute); PubMed 18947684 (cited by Victorian Clinical Genetics Services, Murdoch Childrens Research Institute and Labcorp Genetics (formerly Invitae), Labcorp); PubMed 36457163 (cited by Victorian Clinical Genetics Services, Murdoch Childrens Research Institute); PubMed 12036192 (cited by Victorian Clinical Genetics Services, Murdoch Childrens Research Institute and Illumina Laboratory Services, Illumina); PubMed 33349102 (cited by Victorian Clinical Genetics Services, Murdoch Childrens Research Institute and Labcorp Genetics (formerly Invitae), Labcorp); PubMed 35368817 (cited by Victorian Clinical Genetics Services, Murdoch Childrens Research Institute); PubMed 11157794 (cited by Victorian Clinical Genetics Services, Murdoch Childrens Research Institute).